The following is an entry in ClinVar:

NM_006432.5(NPC2):c.388C>T (p.Leu130Phe)

Gene: NPC2 (NPC intracellular cholesterol transporter 2; minus strand). Cytogenetic location: 14q24.3.
Variant type: single nucleotide variant.
Coding change: c.388C>T on transcript NM_006432.5 (MANE Select); coding-DNA position 388, C replaced by T.
Protein change: p.Leu130Phe; replaces leucine 130 with phenylalanine.
Molecular consequence: missense variant. On other transcripts: intron variant (1).
Genome position (GRCh38, 1-based): chr14:74,480,755, G>A on the plus strand (C>T on the coding strand, the complement: NPC2 is on the minus strand). VCF-style: chr14-74480755-G-A. GRCh37 (hg19) VCF-style: chr14-74947458-G-A.
Other names: c.388C>T, p.Leu130Phe (NM_001363688.1); c.364-467C>T (NM_001375440.1); short protein forms L130F.
Identifiers: ClinVar variation 1983288 (VCV001983288.1), dbSNP rs759115594, ClinGen allele CA7268128.

ClinVar aggregate classification (germline): Uncertain significance (1 of 4 stars; one submission).

Conditions:
Niemann-Pick disease, type C2 (NPC2). Identifiers: Orphanet 646, MedGen C1843366, MONDO:0011873, OMIM 607625.

Allele frequency attached by ClinVar (database versions not stated): ExAC 0.00002.

Submission:

Labcorp Genetics (formerly Invitae), Labcorp
Classification: Uncertain significance for Niemann-Pick disease, type C2. Last evaluated: 2022-04-01. Review status: criteria provided, single submitter. Criteria: Invitae Variant Classification Sherloc (09022015). Collection method: clinical testing. Allele origin: germline.
Comment: This sequence change replaces leucine, which is neutral and non-polar, with phenylalanine, which is neutral and non-polar, at codon 130 of the NPC2 protein (p.Leu130Phe). This variant is present in population databases (rs759115594, gnomAD 0.02%). This variant has not been reported in the literature in individuals affected with NPC2-related conditions. Algorithms developed to predict the effect of missense changes on protein structure and function are either unavailable or do not agree on the potential impact of this missense change (SIFT: "Deleterious"; PolyPhen-2: "Probably Damaging"; Align-GVGD: "Class C0"). In summary, the available evidence is currently insufficient to determine the role of this variant in disease. Therefore, it has been classified as a Variant of Uncertain Significance.